The following is an entry in ClinVar:

Conditions:
Long QT syndrome 5 (LQT5). Identifiers: Orphanet 101016, Orphanet 768, MedGen C1867904, MONDO:0013372, OMIM 613695.

Submission:

Roden Lab, Vanderbilt University Medical Center
No classification provided (evidence only). Condition: Long QT syndrome 5. Review status: no classification provided. Collection method: in vitro. Allele origin: not applicable. Functional consequence: Effect on ion channel function.
ClinVar note: "not provided" was previously submitted as the classification for the variant. However, the classification appeared to be based only on an observation of functional data so it was converted to no classification on 2025-07-30.

NM_000219.6(KCNE1):c.103C>G (p.Pro35Ala)

Gene: KCNE1 (potassium voltage-gated channel subfamily E regulatory subunit 1; minus strand). Cytogenetic location: 21q22.12.
Variant type: single nucleotide variant.
Coding change: c.103C>G on transcript NM_000219.6 (MANE Select); coding-DNA position 103, C replaced by G.
Protein change: p.Pro35Ala; replaces proline 35 with alanine.
Molecular consequence: missense variant.
Genome position (GRCh38, 1-based): chr21:34,449,532, G>C on the plus strand (C>G on the coding strand, the complement: KCNE1 is on the minus strand). VCF-style: chr21-34449532-G-C. GRCh37 (hg19) VCF-style: chr21-35821830-G-C.
Other names: c.103C>G, p.Pro35Ala (NM_001127668.4, NM_001127669.4, NM_001127670.4 and 4 more transcripts); short protein forms P35A.
Identifiers: ClinVar variation 3374058 (VCV003374058.2).